The following is an entry in ClinVar:

NM_001792.5(CDH2):c.1208_1209dup (p.Thr404Ter)

Gene: CDH2 (cadherin 2; minus strand). Cytogenetic location: 18q12.1.
Variant type: Duplication.
Coding change: c.1208_1209dup on transcript NM_001792.5 (MANE Select); coding-DNA positions 1208 to 1209, 2 bases duplicated (TA; older notation c.1208_1209dupTA).
Protein change: p.Thr404Ter; replaces threonine 404 with a stop codon.
Molecular consequence: nonsense.
Genome position (GRCh38, 1-based): chr18:27,992,790-27,992,791, TA duplicated on the plus strand (TA on the coding strand, the reverse complement: CDH2 is on the minus strand). VCF-style (leftmost placement, unchanged base first): chr18-27992789-T-TTA. GRCh37 (hg19) VCF-style: chr18-25572753-T-TTA.
Other names: c.1115_1116dup, p.Thr373Ter (NM_001308176.2); short protein forms T373*, T404*.
Identifiers: ClinVar variation 2663233 (VCV002663233.2), dbSNP rs2510799263, ClinGen allele CA2695200389.
Genomic context (GRCh38, chr18:27,992,789, plus strand): 5'-CACTGATTCTGTACACTGCGTTCCAGGCTGGTGTATGGGGTTGATCCTTATCGGTCACAG[T>TTA]TAGATTAGCTACTATGATGTCTACCCTGTTCTCAGGAACTTCACCATAAAACTGCGAGAA-3'

ClinVar aggregate classification (germline): Pathogenic (1 of 4 stars; one submission).

Submission:

GeneDx
Classification: Pathogenic. Last evaluated: 2025-05-20. Review status: criteria provided, single submitter. Criteria: GeneDx Variant Classification Process June 2021. Collection method: clinical testing. Allele origin: germline.
Comment: Not observed at significant frequency in large population cohorts (gnomAD); Has not been previously published as pathogenic or benign to our knowledge; Nonsense variant predicted to result in protein truncation or nonsense mediated decay in a gene for which loss of function is a known mechanism of disease